The following is an entry in ClinVar:

NM_015057.5(MYCBP2):c.3760A>G (p.Ile1254Val)

Gene: MYCBP2 (MYC binding protein 2; minus strand). Cytogenetic location: 13q22.3.
Variant type: single nucleotide variant.
Coding change: c.3760A>G on transcript NM_015057.5 (MANE Select); coding-DNA position 3760, A replaced by G.
Protein change: p.Ile1254Val; replaces isoleucine 1254 with valine.
Molecular consequence: missense variant.
Genome position (GRCh38, 1-based): chr13:77,205,339, T>C on the plus strand (A>G on the coding strand, the complement: MYCBP2 is on the minus strand). VCF-style: chr13-77205339-T-C. GRCh37 (hg19) VCF-style: chr13-77779474-T-C.
Other names: short protein forms I1254V.
Identifiers: ClinVar variation 4981306 (VCV004981306.1).

ClinVar aggregate classification (germline): Likely benign (1 of 4 stars; one submission).

Conditions:
MYCBP2-related disorder. Also called: MYCBP2-related condition.

gnomAD v4.1: 421 of 1,613,878 alleles (0.026%); highest among the groups gnomAD compares: South Asian, 0.43%; 6 homozygotes.

Submission:

PreventionGenetics, part of Exact Sciences
Classification: Likely benign for MYCBP2-related condition. Last evaluated: 2026-06-28. Review status: criteria provided, single submitter. Criteria: ACMG Guidelines, 2015. Collection method: clinical testing. Allele origin: germline.
Comment: This variant is classified as likely benign based on ACMG/AMP sequence variant interpretation guidelines (Richards et al. 2015 PMID: 25741868, with internal and published modifications).